The following is an entry in ClinVar:

ClinVar aggregate classification (germline): Uncertain significance (1 of 4 stars; one submission).

Conditions:
Cardiovascular phenotype. Identifiers: MedGen CN230736.

Allele frequency attached by ClinVar (database versions not stated): gnomAD exomes below 0.00001.
gnomAD v4.1: 1 of 1,614,066 alleles (0.000062%); highest among the groups gnomAD compares: Non-Finnish European, 0.000085%; no homozygotes.

Submission:

Ambry Genetics
Classification: Uncertain significance for Cardiovascular phenotype. Last evaluated: 2024-01-01. Review status: criteria provided, single submitter. Criteria: Ambry Variant Classification Scheme 2023. Collection method: clinical testing. Allele origin: germline.
Comment: The p.L2344F variant (also known as c.7032A>C), located in coding exon 26 of the APOB gene, results from an A to C substitution at nucleotide position 7032. The leucine at codon 2344 is replaced by phenylalanine, an amino acid with highly similar properties. This amino acid position is conserved. In addition, this alteration is predicted to be tolerated by in silico analysis. Since supporting evidence is limited at this time, the clinical significance of this alteration remains unclear.

NM_000384.3(APOB):c.7032A>C (p.Leu2344Phe)

Gene: APOB (apolipoprotein B; minus strand). Cytogenetic location: 2p24.1.
Variant type: single nucleotide variant.
Coding change: c.7032A>C on transcript NM_000384.3 (MANE Select); coding-DNA position 7032, A replaced by C.
Protein change: p.Leu2344Phe; replaces leucine 2344 with phenylalanine.
Molecular consequence: missense variant.
Genome position (GRCh38, 1-based): chr2:21,009,836, T>G on the plus strand (A>C on the coding strand, the complement: APOB is on the minus strand). VCF-style: chr2-21009836-T-G. GRCh37 (hg19) VCF-style: chr2-21232708-T-G.
Other names: short protein forms L2344F.
Identifiers: ClinVar variation 3231445 (VCV003231445.1), dbSNP rs1179956736, ClinGen allele CA345999793.